The following is an entry in ClinVar:

NM_001256317.3(TMPRSS3):c.782+5G>A

Gene: TMPRSS3 (transmembrane serine protease 3; minus strand). Cytogenetic location: 21q22.3.
Variant type: single nucleotide variant.
Coding change: c.782+5G>A on transcript NM_001256317.3 (MANE Select); 5 bases into the intron after coding-DNA position 782, G replaced by A.
Molecular consequence: intron variant.
Genome position (GRCh38, 1-based): chr21:42,383,028, C>T on the plus strand (G>A on the coding strand, the complement: TMPRSS3 is on the minus strand). VCF-style: chr21-42383028-C-T. GRCh37 (hg19) VCF-style: chr21-43803137-C-T.
Other names: c.782+5G>A (NM_024022.4, NM_032405.2); c.401+5G>A (NM_032404.3).
Identifiers: ClinVar variation 3645225 (VCV003645225.2).

ClinVar aggregate classification (germline): Uncertain significance (1 of 4 stars; one submission).

Submission:

Labcorp Genetics (formerly Invitae), Labcorp
Classification: Uncertain significance. Last evaluated: 2024-06-06. Review status: criteria provided, single submitter. Criteria: Invitae Variant Classification Sherloc (09022015). Collection method: clinical testing. Allele origin: germline.
Comment: This sequence change falls in intron 8 of the TMPRSS3 gene. It does not directly change the encoded amino acid sequence of the TMPRSS3 protein. It affects a nucleotide within the consensus splice site. This variant is not present in population databases (gnomAD no frequency). This variant has been observed in individual(s) with deafness (Invitae). In at least one individual the data is consistent with being in trans (on the opposite chromosome) from a pathogenic variant. Variants that disrupt the consensus splice site are a relatively common cause of aberrant splicing (PMID: 17576681, 9536098). Algorithms developed to predict the effect of sequence changes on RNA splicing suggest that this variant may disrupt the consensus splice site. In summary, the available evidence is currently insufficient to determine the role of this variant in disease. Therefore, it has been classified as a Variant of Uncertain Significance.

Literature cited by the submitters: PubMed 17576681; PubMed 9536098.